The following is an entry in ClinVar:

ClinVar aggregate classification (germline): Likely benign (0 of 4 stars; one submission).

Conditions:
Familial cancer of breast. Also called: BREAST CANCER, FAMILIAL; hereditary breast carcinoma; Hereditary breast cancer. Identifiers: Orphanet 227535, MedGen C0346153, MONDO:0016419, OMIM 114480. Disease mechanism: loss of function.

Submission:

Leiden Open Variation Database
Classification: Likely benign for Familial cancer of breast. Last evaluated: 2019-05-13. Review status: no assertion criteria provided. Collection method: curation. Allele origin: germline. Affected: yes.
Comment: Curators: Marc Tischkowitz, Arleen D. Auerbach. Submitter to LOVD: Marc Tischkowitz.

Literature cited by the submitters: PubMed 20927582.

NM_024675.4(PALB2):c.-98C>A

Gene: PALB2 (partner and localizer of BRCA2; minus strand). Cytogenetic location: 16p12.2.
Variant type: single nucleotide variant.
Coding change: c.-98C>A on transcript NM_024675.4 (MANE Select); 98 bases upstream of the start codon, C replaced by A.
Molecular consequence: 5 prime UTR variant.
Genome position (GRCh38, 1-based): chr16:23,641,255, G>T on the plus strand (C>A on the coding strand, the complement: PALB2 is on the minus strand). VCF-style: chr16-23641255-G-T. GRCh37 (hg19) VCF-style: chr16-23652576-G-T.
Identifiers: ClinVar variation 126579 (VCV000126579.3), dbSNP rs515726058, ClinGen allele CA269474.